The following is an entry in ClinVar:

NM_000400.4(ERCC2):c.644C>A (p.Pro215His)

Gene: ERCC2 (ERCC excision repair 2, TFIIH core complex helicase subunit; minus strand). Cytogenetic location: 19q13.32.
Variant type: single nucleotide variant.
Coding change: c.644C>A on transcript NM_000400.4 (MANE Select); coding-DNA position 644, C replaced by A.
Protein change: p.Pro215His; replaces proline 215 with histidine.
Molecular consequence: missense variant.
Genome position (GRCh38, 1-based): chr19:45,364,498, G>T on the plus strand (C>A on the coding strand, the complement: ERCC2 is on the minus strand). VCF-style: chr19-45364498-G-T. GRCh37 (hg19) VCF-style: chr19-45867756-G-T.
Other names: c.572C>A, p.Pro191His (NM_001130867.2); short protein forms P215H, P191H.
Identifiers: ClinVar variation 1753590 (VCV001753590.2), dbSNP rs1450221693, ClinGen allele CA406374417.

ClinVar aggregate classification (germline): Uncertain significance (1 of 4 stars; one submission).

Conditions:
Inborn genetic diseases. Identifiers: MedGen C0950123, MeSH D030342.

Submission:

Ambry Genetics
Classification: Uncertain significance for Inborn genetic diseases. Last evaluated: 2021-11-06. Review status: criteria provided, single submitter. Criteria: Ambry Variant Classification Scheme 2023. Collection method: clinical testing. Allele origin: germline.
Comment: The p.P215H variant (also known as c.644C>A), located in coding exon 8 of the ERCC2 gene, results from a C to A substitution at nucleotide position 644. The proline at codon 215 is replaced by histidine, an amino acid with similar properties. This amino acid position is conserved. In addition, this alteration is predicted to be deleterious by in silico analysis. Since supporting evidence is limited at this time, the clinical significance of this alteration remains unclear.